The following is an entry in ClinVar:

NM_030665.4(RAI1):c.5436G>A (p.Pro1812=)

Gene: RAI1 (retinoic acid induced 1; plus strand). Cytogenetic location: 17p11.2.
Variant type: single nucleotide variant.
Coding change: c.5436G>A on transcript NM_030665.4 (MANE Select); coding-DNA position 5436, G replaced by A.
Protein change: p.Pro1812=; no amino-acid change (proline 1812 retained).
Molecular consequence: synonymous variant.
Genome position (GRCh38, 1-based): chr17:17,798,384, G>A. VCF-style: chr17-17798384-G-A. GRCh37 (hg19) VCF-style: chr17-17701698-G-A.
Other names: c.5436G>A (NM_030665.3).
Identifiers: ClinVar variation 1606507 (VCV001606507.25), dbSNP rs776159545, ClinGen allele CA8419158.

ClinVar aggregate classification (germline): Likely benign. Review status: criteria provided, multiple submitters, no conflicts (2 of 4 stars). 3 submissions from 3 submitters: Likely benign (2). 1 of the submissions does not count toward it. Last evaluated 2024-10-16.

Conditions:
RAI1-related disorder. Also called: RAI1-related condition.

Allele frequency attached by ClinVar (database versions not stated): ExAC 0.00003; gnomAD exomes 0.00004; gnomAD 0.00006.
gnomAD v4.1: 64 of 1,609,554 alleles (0.004%); highest among the groups gnomAD compares: East Asian, 0.0067%; no homozygotes.

Submissions (3):

Labcorp Genetics (formerly Invitae), Labcorp
Classification: Likely benign. Last evaluated: 2024-10-16. Review status: criteria provided, single submitter. Criteria: Invitae Variant Classification Sherloc (09022015). Collection method: clinical testing. Allele origin: germline.

CeGaT Center for Human Genetics Tuebingen
Classification: Likely benign. Last evaluated: 2024-07-01. Review status: criteria provided, single submitter. Criteria: CeGaT Center For Human Genetics Tuebingen Variant Classification Criteria Version 2. Collection method: clinical testing. Allele origin: germline. Affected: yes. Observed: 1 variant allele.
Comment: RAI1: BP4, BP7

PreventionGenetics, part of Exact Sciences
Classification: Likely benign for RAI1-related condition. Last evaluated: 2020-12-30. Review status: no assertion criteria provided. Collection method: clinical testing. Allele origin: germline. Not counted in ClinVar's aggregate classification.
Comment: This variant is classified as likely benign based on ACMG/AMP sequence variant interpretation guidelines (Richards et al. 2015 PMID: 25741868, with internal and published modifications).